The following is an entry in ClinVar:

ClinVar aggregate classification (germline): Likely benign (1 of 4 stars; one submission).

Conditions:
Breast-ovarian cancer, familial, susceptibility to, 4. Identifiers: Orphanet 145, MedGen C3280345, MONDO:0013669, OMIM 614291.

Submission:

Myriad Genetics, Inc.
Classification: Likely benign for Breast-ovarian cancer, familial, susceptibility to, 4. Last evaluated: 2025-02-24. Review status: criteria provided, single submitter. Criteria: Myriad Autosomal Dominant, Autosomal Recessive and X-Linked Classification Criteria (2023). Collection method: clinical testing. Allele origin: unknown.
Comment: This variant is considered likely benign. This variant is intronic and is not expected to impact mRNA splicing.

NM_002878.4(RAD51D):c.739-17G>C

Genes: RAD51L3-RFFL (RAD51L3-RFFL readthrough; minus strand), RAD51D (RAD51 paralog D; minus strand). Cytogenetic location: 17q12.
Variant type: single nucleotide variant.
Coding change: c.739-17G>C on transcript NM_002878.4 (MANE Select); 17 bases into the intron before coding-DNA position 739, G replaced by C.
Molecular consequence: intron variant.
Genome position (GRCh38, 1-based): chr17:35,101,382, C>G on the plus strand (G>C on the coding strand, the complement: RAD51D is on the minus strand). VCF-style: chr17-35101382-C-G. GRCh37 (hg19) VCF-style: chr17-33428401-C-G.
Other names: c.403-17G>C (NM_133629.3); c.799-17G>C (NM_001142571.2).
Identifiers: ClinVar variation 3904180 (VCV003904180.1).